The following is an entry in ClinVar:

NM_213720.3(CHCHD10):c.408T>C (p.His136=)

Gene: CHCHD10 (coiled-coil-helix-coiled-coil-helix domain containing 10; minus strand). Cytogenetic location: 22q11.23.
Variant type: single nucleotide variant.
Coding change: c.408T>C on transcript NM_213720.3 (MANE Select); coding-DNA position 408, T replaced by C.
Protein change: p.His136=; no amino-acid change (histidine 136 retained).
Molecular consequence: synonymous variant. On other transcripts: non-coding transcript variant (2).
Genome position (GRCh38, 1-based): chr22:23,766,129, A>G on the plus strand (T>C on the coding strand, the complement: CHCHD10 is on the minus strand). VCF-style: chr22-23766129-A-G. GRCh37 (hg19) VCF-style: chr22-24108316-A-G.
Other names: c.429T>C, p.His143= (NM_001301339.2).
Identifiers: ClinVar variation 1448810 (VCV001448810.7), dbSNP rs113677828, ClinGen allele CA513742576.

ClinVar aggregate classification (germline): Conflicting classifications of pathogenicity. Review status: criteria provided, conflicting classifications (1 of 4 stars). 2 submissions from 2 submitters: Uncertain significance (1); Likely benign (1). Last evaluated 2025-03-18.

Conditions:
Lower motor neuron syndrome with late-adult onset (SMAJ). Also called: Late-Onset Spinal Motor Neuronopathy (SMAJ); Spinal muscular atrophy, Jokela type. Identifiers: Orphanet 276435, MedGen C3554398, MONDO:0014025, OMIM 615048.
Frontotemporal dementia and/or amyotrophic lateral sclerosis 2. Also called: FTDALS2. Identifiers: Orphanet 275872, MedGen C4014648, MONDO:0014395, OMIM 615911.
Autosomal dominant mitochondrial myopathy with exercise intolerance (IMMD). Also called: Myopathy, isolated mitochondrial, autosomal dominant. Identifiers: Orphanet 457050, MedGen C4015513, MONDO:0014532, OMIM 616209.

Allele frequency attached by ClinVar (database versions not stated): TOPMed below 0.00001; gnomAD 0.00001; gnomAD exomes 0.00001.
gnomAD v4.1: 12 of 1,613,444 alleles (0.00074%); highest among the groups gnomAD compares: Non-Finnish European, 0.001%; no homozygotes.

Submissions (2):

Labcorp Genetics (formerly Invitae), Labcorp
Classification: Uncertain significance for Lower motor neuron syndrome with late-adult onset; Frontotemporal dementia and/or amyotrophic lateral sclerosis 2; Autosomal dominant mitochondrial myopathy with exercise intolerance. Last evaluated: 2025-03-18. Review status: criteria provided, single submitter. Criteria: Invitae Variant Classification Sherloc (09022015). Collection method: clinical testing. Allele origin: germline.
Comment: This sequence change affects codon 136 of the CHCHD10 mRNA. It is a 'silent' change, meaning that it does not change the encoded amino acid sequence of the CHCHD10 protein. It affects a nucleotide within the consensus splice site. This variant is present in population databases (no rsID available, gnomAD 0.007%). This variant has not been reported in the literature in individuals affected with CHCHD10-related conditions. ClinVar contains an entry for this variant (Variation ID: 1448810). Algorithms developed to predict the effect of sequence changes on RNA splicing suggest that this variant is not likely to affect RNA splicing. In summary, the available evidence is currently insufficient to determine the role of this variant in disease. Therefore, it has been classified as a Variant of Uncertain Significance.

Blueprint Genetics
Classification: Likely benign. Last evaluated: 2024-09-21. Review status: criteria provided, single submitter. Criteria: ACMG Guidelines, 2015. Collection method: clinical testing. Allele origin: germline.